The following is an entry in ClinVar:

NM_177438.3(DICER1):c.1656A>G (p.Arg552=)

Gene: DICER1 (dicer 1, ribonuclease III; minus strand). Cytogenetic location: 14q32.13.
Variant type: single nucleotide variant.
Coding change: c.1656A>G on transcript NM_177438.3 (MANE Select); coding-DNA position 1656, A replaced by G.
Protein change: p.Arg552=; no amino-acid change (arginine 552 retained).
Molecular consequence: synonymous variant.
Genome position (GRCh38, 1-based): chr14:95,116,549, T>C on the plus strand (A>G on the coding strand, the complement: DICER1 is on the minus strand). VCF-style: chr14-95116549-T-C. GRCh37 (hg19) VCF-style: chr14-95582886-T-C.
Other names: c.1656A>G, p.Arg552= (NM_001195573.1, NM_001271282.3, NM_001291628.2 and 1 more transcripts).
Identifiers: ClinVar variation 745216 (VCV000745216.17), dbSNP rs1595411143, ClinGen allele CA487845157.

ClinVar aggregate classification (germline): Benign/Likely benign. Review status: criteria provided, multiple submitters, no conflicts (2 of 4 stars). 3 submissions from 3 submitters: Benign (1); Likely benign (2). Last evaluated 2026-04-15.

Conditions:
Hereditary cancer-predisposing syndrome. Also called: Tumor predisposition; Hereditary Cancer Syndrome; Hereditary neoplastic syndrome; Neoplastic Syndromes, Hereditary. Identifiers: Orphanet 140162, MedGen C0027672, MeSH D009386, MONDO:0015356.
DICER1-related tumor predisposition. Also called: DICER1 syndrome; DICER1-related pleuropulmonary blastoma cancer predisposition syndrome. Identifiers: Orphanet 284343, MedGen C3839822, MONDO:0100216.

Allele frequency attached by ClinVar (database versions not stated): gnomAD exomes below 0.00001; TOPMed below 0.00001; gnomAD 0.00001.
gnomAD v4.1: 3 of 1,614,018 alleles (0.00019%); highest among the groups gnomAD compares: Non-Finnish European, 0.00025%; no homozygotes.

Submissions (3):

Myriad Genetics, Inc.
Classification: Benign for DICER1-related tumor predisposition. Last evaluated: 2026-04-15. Review status: criteria provided, single submitter. Criteria: Myriad Autosomal Dominant, Autosomal Recessive and X-Linked Classification Criteria (2023). Collection method: clinical testing. Allele origin: unknown.
Comment: This variant is considered benign. This variant is a silent/synonymous amino acid change and it is not expected to impact splicing.

Labcorp Genetics (formerly Invitae), Labcorp
Classification: Likely benign for DICER1-related tumor predisposition. Last evaluated: 2025-12-06. Review status: criteria provided, single submitter. Criteria: Invitae Variant Classification Sherloc (09022015). Collection method: clinical testing. Allele origin: germline.

Ambry Genetics
Classification: Likely benign for Hereditary cancer-predisposing syndrome. Last evaluated: 2018-02-14. Review status: criteria provided, single submitter. Criteria: Ambry Variant Classification Scheme 2023. Collection method: clinical testing. Allele origin: germline.